The following is an entry in ClinVar:

NM_001267727.2(ARSG):c.140G>A (p.Gly47Glu)

Gene: ARSG (arylsulfatase G; plus strand). Cytogenetic location: 17q24.2.
Variant type: single nucleotide variant.
Coding change: c.140G>A on transcript NM_001267727.2 (MANE Select); coding-DNA position 140, G replaced by A.
Protein change: p.Gly47Glu; replaces glycine 47 with glutamic acid.
Molecular consequence: missense variant.
Genome position (GRCh38, 1-based): chr17:68,307,633, G>A. VCF-style: chr17-68307633-G-A. GRCh37 (hg19) VCF-style: chr17-66303774-G-A.
Other names: c.140G>A, p.Gly47Glu (NM_001352899.2, NM_001352900.2, NM_001352901.2 and 9 more transcripts); short protein forms G47E.
Identifiers: ClinVar variation 1041161 (VCV001041161.10), dbSNP rs915603905, ClinGen allele CA293281885.

ClinVar aggregate classification (germline): Uncertain significance. Review status: criteria provided, multiple submitters, no conflicts (2 of 4 stars). 2 submissions from 2 submitters: Uncertain significance (2). Last evaluated 2021-03-01.

Allele frequency attached by ClinVar (database versions not stated): gnomAD exomes below 0.00001.
gnomAD v4.1: 4 of 1,613,284 alleles (0.00025%); highest among the groups gnomAD compares: East Asian, 0.0022%; no homozygotes.

Submissions (2):

Blueprint Genetics
Classification: Uncertain significance. Last evaluated: 2021-03-01. Review status: criteria provided, single submitter. Criteria: ACMG Guidelines, 2015. Collection method: clinical testing. Allele origin: germline.

Labcorp Genetics (formerly Invitae), Labcorp
Classification: Uncertain significance. Last evaluated: 2021-01-14. Review status: criteria provided, single submitter. Criteria: Invitae Variant Classification Sherloc (09022015). Collection method: clinical testing. Allele origin: germline.
Comment: In summary, the available evidence is currently insufficient to determine the role of this variant in disease. Therefore, it has been classified as a Variant of Uncertain Significance. This sequence change replaces glycine with glutamic acid at codon 47 of the ARSG protein (p.Gly47Glu). The glycine residue is highly conserved and there is a moderate physicochemical difference between glycine and glutamic acid. This variant is not present in population databases (ExAC no frequency). This variant has not been reported in the literature in individuals with ARSG-related conditions. Algorithms developed to predict the effect of missense changes on protein structure and function are either unavailable or do not agree on the potential impact of this missense change (SIFT: "Deleterious"; PolyPhen-2: "Probably Damaging"; Align-GVGD: "Class C0").